The following is an entry in ClinVar:

ClinVar aggregate classification (germline): Uncertain significance. Review status: criteria provided, multiple submitters, no conflicts (2 of 4 stars). 5 submissions from 5 submitters: Uncertain significance (4). 1 of the submissions does not count toward it. Last evaluated 2026-01-05.

Conditions:
Peroxisome biogenesis disorder, complementation group K (CGK). Identifiers: MedGen C1866257, MONDO:0800365.
Inborn genetic diseases. Identifiers: MedGen C0950123, MeSH D030342.
PEX14-related disorder. Also called: PEX14-related condition.
Peroxisome biogenesis disorder 13A (Zellweger). Also called: Peroxisome biogenesis disorder 13A. Identifiers: Orphanet 912, MedGen C3554004, MONDO:0013952, OMIM 614887.

Allele frequency attached by ClinVar (database versions not stated): gnomAD exomes 0.00003 and 0.00004; ExAC 0.00005; gnomAD 0.00006; TOPMed 0.00007; ESP Exome Variant Server 0.00008.
gnomAD v4.1: 58 of 1,612,816 alleles (0.0036%); highest among the groups gnomAD compares: Middle Eastern, 0.016%; no homozygotes.

Submissions (5):

Labcorp Genetics (formerly Invitae), Labcorp
Classification: Uncertain significance for Peroxisome biogenesis disorder, complementation group K. Last evaluated: 2026-01-05. Review status: criteria provided, single submitter. Criteria: Invitae Variant Classification Sherloc (09022015). Collection method: clinical testing. Allele origin: germline.
Comment: This sequence change replaces proline, which is neutral and non-polar, with alanine, which is neutral and non-polar, at codon 92 of the PEX14 protein (p.Pro92Ala). This variant is present in population databases (rs199525137, gnomAD 0.01%). This variant has not been reported in the literature in individuals affected with PEX14-related conditions. ClinVar contains an entry for this variant (Variation ID: 291673). Invitae Evidence Modeling of protein sequence and biophysical properties (such as structural, functional, and spatial information, amino acid conservation, physicochemical variation, residue mobility, and thermodynamic stability) indicates that this missense variant is not expected to disrupt PEX14 protein function with a negative predictive value of 80%. In summary, the available evidence is currently insufficient to determine the role of this variant in disease. Therefore, it has been classified as a Variant of Uncertain Significance.

Ambry Genetics
Classification: Uncertain significance for Inborn genetic diseases. Last evaluated: 2024-04-09. Review status: criteria provided, single submitter. Criteria: Ambry Variant Classification Scheme 2023. Collection method: clinical testing. Allele origin: germline.

Eurofins Ntd Llc (ga)
Classification: Uncertain significance. Last evaluated: 2018-06-22. Review status: criteria provided, single submitter. Criteria: EGL ClinVar v180209 classification definitions. Collection method: clinical testing. Allele origin: germline. Observed: 1 variant allele, 1 heterozygote.

Illumina Laboratory Services, Illumina
Classification: Uncertain significance for Peroxisome biogenesis disorder 13A (Zellweger). Last evaluated: 2018-01-12. Review status: criteria provided, single submitter. Criteria: ICSL Variant Classification Criteria 13 December 2019. Collection method: clinical testing. Allele origin: germline.

PreventionGenetics, part of Exact Sciences
Classification: Uncertain significance for PEX14-related condition. Last evaluated: 2023-12-19. Review status: no assertion criteria provided. Collection method: clinical testing. Allele origin: germline. Not counted in ClinVar's aggregate classification.
Comment: The PEX14 c.274C>G variant is predicted to result in the amino acid substitution p.Pro92Ala. To our knowledge, this variant has not been reported in the literature. This variant is reported in 0.013% of alleles in individuals of South Asian descent in gnomAD. At this time, the clinical significance of this variant is uncertain due to the absence of conclusive functional and genetic evidence.

NM_004565.3(PEX14):c.274C>G (p.Pro92Ala)

Gene: PEX14 (peroxisomal biogenesis factor 14; plus strand). Cytogenetic location: 1p36.22.
Variant type: single nucleotide variant.
Coding change: c.274C>G on transcript NM_004565.3 (MANE Select); coding-DNA position 274, C replaced by G.
Protein change: p.Pro92Ala; replaces proline 92 with alanine.
Molecular consequence: missense variant.
Genome position (GRCh38, 1-based): chr1:10,599,342, C>G. VCF-style: chr1-10599342-C-G. GRCh37 (hg19) VCF-style: chr1-10659399-C-G.
Other names: short protein forms P92A.
Identifiers: ClinVar variation 291673 (VCV000291673.18), dbSNP rs199525137, ClinGen allele CA583765.